The following is an entry in ClinVar:

NM_000492.4(CFTR):c.1210-13_1220del

Genes: CFTR (CF transmembrane conductance regulator; plus strand), CFTR-AS1 (CFTR antisense RNA 1; minus strand). Cytogenetic location: 7q31.2.
Variant type: Deletion.
Coding change: c.1210-13_1220del on transcript NM_000492.4 (MANE Select); 13 bases into the intron before coding-DNA position 1210 through coding-DNA position 1220, 24 bases deleted (GTTTTTTTAACAGGGATTTGGGGA).
Molecular consequence: splice acceptor variant.
Genome position (GRCh38, 1-based): chr7:117,548,628-117,548,651, GTTTTTTTAACAGGGATTTGGGGA deleted. VCF-style (leftmost placement, unchanged base first): chr7-117548627-TGTTTTTTTAACAGGGATTTGGGGA-T. GRCh37 (hg19) VCF-style: chr7-117188681-TGTTTTTTTAACAGGGATTTGGGGA-T.
Other names: c.1210-13_1220del24 (NM_000492.4).
Identifiers: ClinVar variation 3769188 (VCV003769188.2).

ClinVar aggregate classification (germline): Likely pathogenic (1 of 4 stars; one submission).

Conditions:
Cystic fibrosis (CF). Also called: MUCOVISCIDOSIS. Identifiers: Orphanet 586, MedGen C0010674, MONDO:0009061, OMIM 219700. Disease mechanism: loss of function.

Submission:

Women's Health and Genetics/Laboratory Corporation of America, LabCorp
Classification: Likely pathogenic for Cystic fibrosis. Last evaluated: 2025-01-08. Review status: criteria provided, single submitter. Criteria: LabCorp Variant Classification Summary - May 2015. Collection method: clinical testing. Allele origin: germline.
Comment: Variant summary: CFTR c.1210-13_1220del24 disrupts a canonical splice-site and is predicted to affect mRNA splicing resulting in a significantly altered protein due to either exon skipping, shortening, or inclusion of intronic material. Variants that disrupt the consensus splice site are a relatively common cause of aberrant splicing and loss of CFTR function. Several computational tools predict a significant impact on normal splicing: Four predict the variant abolishes a 3' acceptor site. Two predict the variant creates a 3' acceptor site. However, these predictions have yet to be confirmed by functional studies. The frequency data for this variant in gnomAD is considered unreliable, as metrics indicate poor data quality at this position. To our knowledge, no occurrence of c.1210-13_1220del24 in individuals affected with CF-related conditions and no experimental evidence demonstrating its impact on protein function have been reported. No submitters have cited clinical-significance assessments for this variant to ClinVar. Based on the evidence outlined above, the variant was classified as likely pathogenic.